The following is an entry in ClinVar:

NM_006421.5(ARFGEF1):c.330G>A (p.Gly110=)

Gene: ARFGEF1 (ARF guanine nucleotide exchange factor 1; minus strand). Cytogenetic location: 8q13.2.
Variant type: single nucleotide variant.
Coding change: c.330G>A on transcript NM_006421.5 (MANE Select); coding-DNA position 330, G replaced by A.
Protein change: p.Gly110=; no amino-acid change (glycine 110 retained).
Molecular consequence: synonymous variant.
Genome position (GRCh38, 1-based): chr8:67,299,338, C>T on the plus strand (G>A on the coding strand, the complement: ARFGEF1 is on the minus strand). VCF-style: chr8-67299338-C-T. GRCh37 (hg19) VCF-style: chr8-68211573-C-T.
Identifiers: ClinVar variation 789889 (VCV000789889.28), dbSNP rs117423622, ClinGen allele CA4772492.

ClinVar aggregate classification (germline): Benign/Likely benign. Review status: criteria provided, multiple submitters, no conflicts (2 of 4 stars). 3 submissions from 3 submitters: Benign (2); Likely benign (1). Last evaluated 2022-11-01.

Allele frequency attached by ClinVar (database versions not stated): 1000 Genomes Project 30x 0.00016; 1000 Genomes Project 0.00020; TOPMed 0.00091; ESP Exome Variant Server 0.00100; gnomAD 0.00104 and 0.00111; gnomAD exomes 0.00107 and 0.00150; ExAC 0.00150.

Submissions (3):

CeGaT Center for Human Genetics Tuebingen
Classification: Likely benign. Last evaluated: 2022-11-01. Review status: criteria provided, single submitter. Criteria: CeGaT Center For Human Genetics Tuebingen Variant Classification Criteria Version 2. Collection method: clinical testing. Allele origin: germline. Affected: yes. Observed: 1 variant allele.
Comment: ARFGEF1: BP4, BP7

Labcorp Genetics (formerly Invitae), Labcorp
Classification: Benign. Last evaluated: 2018-05-31. Review status: criteria provided, single submitter. Criteria: Invitae Variant Classification Sherloc (09022015). Collection method: clinical testing. Allele origin: germline.

Breakthrough Genomics
Classification: Benign. Review status: criteria provided, single submitter. Criteria: ACMG Guidelines, 2015. Collection method: not provided. Allele origin: germline. Inheritance: Autosomal dominant inheritance. Affected: yes.